The following is an entry in ClinVar:

ClinVar aggregate classification (germline): Likely pathogenic (1 of 4 stars; one submission).

Conditions:
Familial cancer of breast. Also called: Hereditary breast cancer; BREAST CANCER, FAMILIAL; hereditary breast carcinoma. Identifiers: Orphanet 227535, MedGen C0346153, MONDO:0016419, OMIM 114480. Disease mechanism: loss of function.
Fanconi anemia complementation group J. Also called: BRIP1-Related Fanconi Anemia. Identifiers: Orphanet 84, MedGen C1836860, MONDO:0012187, OMIM 609054.

Submission:

Labcorp Genetics (formerly Invitae), Labcorp
Classification: Likely pathogenic for Familial cancer of breast; Fanconi anemia complementation group J. Last evaluated: 2019-09-04. Review status: criteria provided, single submitter. Criteria: Invitae Variant Classification Sherloc (09022015). Collection method: clinical testing. Allele origin: germline.
Comment: This sequence change is a complex rearrangement that results in deletion of the genomic region encompassing part of exon 8 (c.918+2790_1121delins63) of the BRIP1 gene. It is expected to disrupt RNA splicing and likely results in an absent or disrupted protein product. This variant has not been reported in the literature in individuals with BRIP1-related conditions. Loss-of-function variants in BRIP1 are known to be pathogenic (PMID: 16116423, 17033622, 21964575). In summary, the currently available evidence indicates that the variant is pathogenic, but additional data are needed to prove that conclusively. Therefore, this variant has been classified as Likely Pathogenic.

Literature cited by the submitters: PubMed 16116423; PubMed 17033622; PubMed 21964575.

NC_000017.10:g.(?_59878633)_59883038del

Gene: BRIP1 (BRCA1 interacting DNA helicase 1; minus strand).
Variant type: Deletion.
Identifiers: ClinVar variation 1066776 (VCV001066776.3).